The following is an entry in ClinVar:

ClinVar aggregate classification (germline): Likely benign. Review status: criteria provided, multiple submitters, no conflicts (2 of 4 stars). 2 submissions from 2 submitters: Likely benign (2). Last evaluated 2024-09-12.

Conditions:
Dilated cardiomyopathy 1G (CMD1G). Identifiers: Orphanet 154, MedGen C1858763, MONDO:0011400, OMIM 604145.
Autosomal recessive limb-girdle muscular dystrophy type 2J (LGMDR10). Also called: Limb-girdle muscular dystrophy, type 2J; MUSCULAR DYSTROPHY, LIMB-GIRDLE, AUTOSOMAL RECESSIVE 10. Identifiers: Orphanet 140922, MedGen C1837342, MONDO:0012127, OMIM 608807.

Allele frequency attached by ClinVar (database versions not stated): gnomAD exomes below 0.00001.
gnomAD v4.1: 2 of 1,613,402 alleles (0.00012%); highest among the groups gnomAD compares: African/African-American, 0.0013%; no homozygotes.

Submissions (2):

Labcorp Genetics (formerly Invitae), Labcorp
Classification: Likely benign for Dilated cardiomyopathy 1G; Autosomal recessive limb-girdle muscular dystrophy type 2J. Last evaluated: 2024-09-12. Review status: criteria provided, single submitter. Criteria: Invitae Variant Classification Sherloc (09022015). Collection method: clinical testing. Allele origin: germline.

Laboratory for Molecular Medicine, Mass General Brigham Personalized Medicine
Classification: Likely benign. Last evaluated: 2012-08-14. Review status: criteria provided, single submitter. Criteria: LMM Criteria. Collection method: clinical testing. Allele origin: germline. Observed: 1 variant allele.
Comment: Pro21489Pro in exon 275 of TTN: This variant is not expected to have clinical si gnificance because it does not alter an amino acid residue and is not located wi thin the splice consensus sequence. Pro21489Pro in exon 275 of TTN (allele fre quency = n/a)

NM_001267550.2(TTN):c.72171A>G (p.Pro24057=)

Genes: TTN-AS1 (TTN antisense RNA 1; plus strand), TTN (titin; minus strand). Cytogenetic location: 2q31.2.
Variant type: single nucleotide variant.
Coding change: c.72171A>G on transcript NM_001267550.2 (MANE Select); coding-DNA position 72171, A replaced by G.
Protein change: p.Pro24057=; no amino-acid change (proline 24057 retained).
Molecular consequence: synonymous variant.
Genome position (GRCh38, 1-based): chr2:178,573,961, T>C on the plus strand (A>G on the coding strand, the complement: TTN is on the minus strand). VCF-style: chr2-178573961-T-C. GRCh37 (hg19) VCF-style: chr2-179438688-T-C.
Other names: c.67248A>G, p.Pro22416= (NM_001256850.1); c.44976A>G, p.Pro14992= (NM_003319.4); c.45351A>G, p.Pro15117= (NM_133432.3); c.45552A>G, p.Pro15184= (NM_133437.4); c.64467A>G, p.Pro21489= (NM_133378.4).
Identifiers: ClinVar variation 47310 (VCV000047310.10), dbSNP rs397517692, ClinGen allele CA140636.